The following is an entry in ClinVar:

NM_001694.4(ATP6V0C):c.205G>C (p.Gly69Arg)

Gene: ATP6V0C (ATPase H+ transporting V0 subunit c; plus strand). Cytogenetic location: 16p13.3.
Variant type: single nucleotide variant.
Coding change: c.205G>C on transcript NM_001694.4 (MANE Select); coding-DNA position 205, G replaced by C.
Protein change: p.Gly69Arg; replaces glycine 69 with arginine.
Molecular consequence: missense variant.
Genome position (GRCh38, 1-based): chr16:2,519,343, G>C. VCF-style: chr16-2519343-G-C. GRCh37 (hg19) VCF-style: chr16-2569344-G-C.
Other names: c.205G>C, p.Gly69Arg (NM_001198569.2); short protein forms G69R.
Identifiers: ClinVar variation 3774255 (VCV003774255.1).

ClinVar aggregate classification (germline): Uncertain significance (1 of 4 stars; one submission).

Submission:

GeneDx
Classification: Uncertain significance. Last evaluated: 2024-09-19. Review status: criteria provided, single submitter. Criteria: GeneDx Variant Classification Process June 2021. Collection method: clinical testing. Allele origin: germline. Affected: yes.
Comment: Not observed at significant frequency in large population cohorts (gnomAD); In silico analysis supports that this missense variant has a deleterious effect on protein structure/function; Has not been previously published as pathogenic or benign to our knowledge